The following is an entry in ClinVar:

NM_004360.5(CDH1):c.63C>T (p.Leu21=)

Gene: CDH1 (cadherin 1; plus strand). Cytogenetic location: 16q22.1.
Variant type: single nucleotide variant.
Coding change: c.63C>T on transcript NM_004360.5 (MANE Select); coding-DNA position 63, C replaced by T.
Protein change: p.Leu21=; no amino-acid change (leucine 21 retained).
Molecular consequence: synonymous variant. On other transcripts: 5 prime UTR variant (2).
Genome position (GRCh38, 1-based): chr16:68,738,311, C>T. VCF-style: chr16-68738311-C-T. GRCh37 (hg19) VCF-style: chr16-68772214-C-T.
Other names: c.63C>T, p.Leu21= (NM_001317184.2); c.-1553C>T (NM_001317185.2); c.-1757C>T (NM_001317186.2).
Identifiers: ClinVar variation 798538 (VCV000798538.13), dbSNP rs1212723972, ClinGen allele CA496149591.
Genomic context (GRCh38, chr16:68,738,311, plus strand): 5'-GAACCCTCCGAGTCACCCGGTTCCATCTACCTTTCCCCCACCCCAGGTCTCCTCTTGGCT[C>T]TGCCAGGAGCCGGAGCCCTGCCACCCTGGCTTTGACGCCGAGAGCTACACGTTCACGGTG-3'
Protein context (NP_004351.1, residues 11-31): LLLLLQVSSW[Leu21=]CQEPEPCHPG

ClinVar aggregate classification (germline): Benign/Likely benign. Review status: criteria provided, multiple submitters, no conflicts (2 of 4 stars). 3 submissions from 3 submitters: Benign (1); Likely benign (2). Last evaluated 2024-09-11.

Conditions:
Hereditary diffuse gastric adenocarcinoma (HDGC). Also called: DIFFUSE GASTRIC AND LOBULAR BREAST CANCER SYNDROME. Identifiers: Orphanet 26106, MedGen C1708349, MONDO:0007648, OMIM 137215.
Hereditary cancer-predisposing syndrome. Also called: Neoplastic Syndromes, Hereditary; Hereditary Cancer Syndrome; Tumor predisposition; Hereditary neoplastic syndrome. Identifiers: Orphanet 140162, MedGen C0027672, MeSH D009386, MONDO:0015356.

Allele frequency attached by ClinVar (database versions not stated): gnomAD exomes below 0.00001 and 0.00001.
gnomAD v4.1: 1 of 1,550,636 alleles (0.000064%); highest among the groups gnomAD compares: Non-Finnish European, 0.000087%; no homozygotes.

Submissions (3):

Myriad Genetics, Inc.
Classification: Benign for Hereditary diffuse gastric adenocarcinoma. Last evaluated: 2024-09-11. Review status: criteria provided, single submitter. Criteria: Myriad Autosomal Dominant, Autosomal Recessive and X-Linked Classification Criteria (2023). Collection method: clinical testing. Allele origin: unknown.
Comment: This variant is considered benign. This variant is a silent/synonymous amino acid change and it is not expected to impact splicing.

Labcorp Genetics (formerly Invitae), Labcorp
Classification: Likely benign for Hereditary diffuse gastric adenocarcinoma. Last evaluated: 2023-07-25. Review status: criteria provided, single submitter. Criteria: Invitae Variant Classification Sherloc (09022015). Collection method: clinical testing. Allele origin: germline.

Ambry Genetics
Classification: Likely benign for Hereditary cancer-predisposing syndrome. Last evaluated: 2021-10-04. Review status: criteria provided, single submitter. Criteria: Ambry Variant Classification Scheme 2023. Collection method: clinical testing. Allele origin: germline.